The following is an entry in ClinVar:

ClinVar aggregate classification (germline): Uncertain significance (1 of 4 stars; one submission).

Conditions:
Infantile-onset X-linked spinal muscular atrophy. Also called: Spinal Muscular Atrophy, X-Linked Infantile; SPINAL MUSCULAR ATROPHY, X-LINKED LETHAL INFANTILE; AMC, DISTAL, X-LINKED; ARTHROGRYPOSIS, X-LINKED, TYPE I; Spinal muscular atrophy, X-linked 2. Identifiers: Orphanet 1145, MedGen C1844934, MONDO:0010532, OMIM 301830.

Allele frequency attached by ClinVar (database versions not stated): gnomAD exomes below 0.00001.
gnomAD v4.1: 2 of 1,211,025 alleles (0.00017%); highest among the groups gnomAD compares: Non-Finnish European, 0.00022%; no homozygotes.

Submission:

Labcorp Genetics (formerly Invitae), Labcorp
Classification: Uncertain significance for Infantile-onset X-linked spinal muscular atrophy. Last evaluated: 2021-07-13. Review status: criteria provided, single submitter. Criteria: Invitae Variant Classification Sherloc (09022015). Collection method: clinical testing. Allele origin: germline.
Comment: This sequence change replaces isoleucine with threonine at codon 490 of the UBA1 protein (p.Ile490Thr). The isoleucine residue is moderately conserved and there is a moderate physicochemical difference between isoleucine and threonine. This variant is not present in population databases (ExAC no frequency). This variant has not been reported in the literature in individuals with UBA1-related disease. Algorithms developed to predict the effect of missense changes on protein structure and function are either unavailable or do not agree on the potential impact of this missense change (SIFT: "Deleterious"; PolyPhen-2: "Possibly Damaging"; Align-GVGD: "Class C0"). In summary, the available evidence is currently insufficient to determine the role of this variant in disease. Therefore, it has been classified as a Variant of Uncertain Significance.

NM_003334.4(UBA1):c.1469T>C (p.Ile490Thr)

Gene: UBA1 (ubiquitin like modifier activating enzyme 1; plus strand). Cytogenetic location: Xp11.3.
Variant type: single nucleotide variant.
Coding change: c.1469T>C on transcript NM_003334.4 (MANE Select); coding-DNA position 1469, T replaced by C.
Protein change: p.Ile490Thr; replaces isoleucine 490 with threonine.
Molecular consequence: missense variant.
Genome position (GRCh38, 1-based): chrX:47,203,590, T>C. VCF-style: chrX-47203590-T-C. GRCh37 (hg19) VCF-style: chrX-47062989-T-C.
Other names: c.1469T>C, p.Ile490Thr (NM_153280.3); short protein forms I490T.
Identifiers: ClinVar variation 655479 (VCV000655479.8), dbSNP rs1602635435, ClinGen allele CA412798460.
Genomic context (GRCh38, chrX:47,203,590, plus strand): 5'-TTGCTTCTTAGGTGGGTGCGGGGGCCATTGGCTGTGAGCTGCTCAAGAACTTTGCCATGA[T>C]TGGGCTGGGCTGCGGGGAGGGTGGAGAAATCATCGTTACAGACATGGACACCATTGAGAA-3'
Protein context (NP_003325.2, residues 480-500): GCELLKNFAM[Ile490Thr]GLGCGEGGEI